The following is an entry in ClinVar:

ClinVar aggregate classification (germline): Likely benign. Review status: criteria provided, multiple submitters, no conflicts (2 of 4 stars). 3 submissions from 3 submitters: Likely benign (2). 1 of the submissions does not count toward it. Last evaluated 2024-04-26.

Conditions:
WDPCP-related disorder. Also called: WDPCP-related condition.
Bardet-Biedl syndrome (BBS). Identifiers: Orphanet 110, MedGen C0752166, MONDO:0015229.

Allele frequency attached by ClinVar (database versions not stated): ExAC 0.00003; TOPMed 0.00003; gnomAD 0.00004.
gnomAD v4.1: 28 of 1,612,450 alleles (0.0017%); highest among the groups gnomAD compares: African/African-American, 0.0027%; no homozygotes.

Submissions (3):

Blueprint Genetics
Classification: Likely benign. Last evaluated: 2024-04-26. Review status: criteria provided, single submitter. Criteria: ACMG Guidelines, 2015. Collection method: clinical testing. Allele origin: germline.

Labcorp Genetics (formerly Invitae), Labcorp
Classification: Likely benign for Bardet-Biedl syndrome. Last evaluated: 2022-10-17. Review status: criteria provided, single submitter. Criteria: Invitae Variant Classification Sherloc (09022015). Collection method: clinical testing. Allele origin: germline.

PreventionGenetics, part of Exact Sciences
Classification: Likely benign for WDPCP-related condition. Last evaluated: 2021-10-07. Review status: no assertion criteria provided. Collection method: clinical testing. Allele origin: germline. Not counted in ClinVar's aggregate classification.
Comment: This variant is classified as likely benign based on ACMG/AMP sequence variant interpretation guidelines (Richards et al. 2015 PMID: 25741868, with internal and published modifications).

NM_015910.7(WDPCP):c.276C>T (p.Leu92=)

Gene: WDPCP (WD repeat containing planar cell polarity effector; minus strand). Cytogenetic location: 2p15.
Variant type: single nucleotide variant.
Coding change: c.276C>T on transcript NM_015910.7 (MANE Select); coding-DNA position 276, C replaced by T.
Protein change: p.Leu92=; no amino-acid change (leucine 92 retained).
Molecular consequence: synonymous variant. On other transcripts: non-coding transcript variant (2).
Genome position (GRCh38, 1-based): chr2:63,484,965, G>A on the plus strand (C>T on the coding strand, the complement: WDPCP is on the minus strand). VCF-style: chr2-63484965-G-A. GRCh37 (hg19) VCF-style: chr2-63712099-G-A.
Other names: c.204C>T, p.Leu68= (NM_001354044.2); c.276C>T, p.Leu92= (NM_001354045.2); c.276C>T (NM_015910.5).
Identifiers: ClinVar variation 1078535 (VCV001078535.12), dbSNP rs759303585, ClinGen allele CA1682539.